The following is an entry in ClinVar:

NM_178014.4(TUBB):c.45G>C (p.Gln15His)

Gene: TUBB (tubulin beta class I; plus strand). Cytogenetic location: 6p21.33.
Variant type: single nucleotide variant.
Coding change: c.45G>C on transcript NM_178014.4 (MANE Select); coding-DNA position 45, G replaced by C.
Protein change: p.Gln15His; replaces glutamine 15 with histidine.
Molecular consequence: missense variant. On other transcripts: non-coding transcript variant (1), intron variant (1).
Genome position (GRCh38, 1-based): chr6:30,720,551, G>C. VCF-style: chr6-30720551-G-C. GRCh37 (hg19) VCF-style: chr6-30688328-G-C.
Other names: c.45G>C, p.Gln15His (NM_001293213.2); c.34+11G>C (NM_001293214.2); c.45G>C (NM_178014.2); short protein forms Q15H.
Identifiers: ClinVar variation 1685467 (VCV001685467.2), dbSNP rs1776147010, ClinGen allele CA363141450.

ClinVar aggregate classification (germline): Likely pathogenic. Review status: criteria provided, multiple submitters, no conflicts (2 of 4 stars). 2 submissions from 2 submitters: Likely pathogenic (2). Last evaluated 2026-05-20.

Conditions:
Inborn genetic diseases. Identifiers: MedGen C0950123, MeSH D030342.
Skin creases, congenital symmetric circumferential, 1. Also called: Multiple benign circumferential skin creases on limbs 1; SKIN CREASES, MULTIPLE BENIGN RING-SHAPED, OF LIMBS; CIRCUMFERENTIAL SKIN CREASES, KUNZE TYPE; MICHELIN TIRE BABY SYNDROME. Identifiers: MedGen C4551592, MONDO:0020738, OMIM 156610.

Submissions (2):

Ambry Genetics
Classification: Likely pathogenic for Inborn genetic diseases. Last evaluated: 2026-05-20. Review status: criteria provided, single submitter. Criteria: Ambry Variant Classification Scheme 2023. Collection method: clinical testing. Allele origin: germline.
Comment: The c.45G>C (p.Q15H) alteration is located in exon 1 (coding exon 1) of the TUBB gene. This alteration results from a G to C substitution at nucleotide position 45, causing the glutamine (Q) at amino acid position 15 to be replaced by a histidine (H). This variant was not reported in population-based cohorts in the Genome Aggregation Database (gnomAD). This amino acid position is highly conserved in available vertebrate species. This missense variant is located in a region that has a low rate of benign missense variation (Lek, 2016; Firth, 2009). This alteration is predicted to be deleterious by in silico analysis. Based on the available evidence, this alteration is classified as likely pathogenic.

Mendelics
Classification: Likely pathogenic for Skin creases, congenital symmetric circumferential, 1. Last evaluated: 2022-05-04. Review status: criteria provided, single submitter. Criteria: Mendelics Assertion Criteria 2019. Collection method: clinical testing. Allele origin: germline.